The following is an entry in ClinVar:

NM_001164508.2(NEB):c.24503dup (p.Asn8168fs)

Genes: NEB (nebulin; minus strand), RIF1 (replication timing regulatory factor 1; plus strand). Cytogenetic location: 2q23.3.
Variant type: Duplication.
Coding change: c.24503dup on transcript NM_001164508.2 (MANE Select); coding-DNA position 24503, one base duplicated (A; older notation c.24503dupA).
Protein change: p.Asn8168fs; shifts the reading frame from asparagine 8168.
Molecular consequence: frameshift variant.
Genome position (GRCh38, 1-based): chr2:151,494,237, T duplicated on the plus strand (A on the coding strand, the reverse complement: NEB is on the minus strand); the first of 4 consecutive T bases (chr2:151,494,237-151,494,240); duplicating any one gives the same sequence. VCF-style (leftmost placement, unchanged base first): chr2-151494236-A-AT. GRCh37 (hg19) VCF-style: chr2-152350750-A-AT.
Other names: c.24608dup (NM_001271208.1); c.24503dup, p.Asn8168fs (NM_001164507.2); c.24608dup, p.Asn8203fs (NM_001271208.2); c.18935dup, p.Asn6312fs (NM_004543.5); short protein forms N6312fs, N8168fs, N8203fs.
Identifiers: ClinVar variation 1459619 (VCV001459619.8), dbSNP rs2152876577, ClinGen allele CA2573133048.

ClinVar aggregate classification (germline): Pathogenic/Likely pathogenic. Review status: criteria provided, multiple submitters, no conflicts (2 of 4 stars). 3 submissions from 3 submitters: Pathogenic (1); Likely pathogenic (2). Last evaluated 2024-11-22.

Conditions:
Arthrogryposis multiplex congenita 6. Identifiers: MedGen C5543431, MONDO:0030281, OMIM 619334.
Nemaline myopathy 2 (NEM2). Also called: Nemaline myopathy 2, autosomal recessive. Identifiers: MedGen C1850569, MONDO:0009725, OMIM 256030.

Submissions (3):

Natera, Inc.
Classification: Likely pathogenic for Nemaline myopathy type 2. Last evaluated: 2024-11-22. Review status: criteria provided, single submitter. Criteria: Natera Variant Classification Schema (03/2026). Collection method: clinical testing. Allele origin: germline.
Comment: The c.24608dup variant in NEB is a frameshift variant predicted to shift the reading frame beginning at codon 8203 and leads to a stop codon 13 codons downstream. This variant is expected to result in nonsense mediated decay, truncation, or a dysfunctional protein product. This variant is rare in the general population with a frequency below the threshold expected for the associated phenotype(s). Given the available evidence, this variant is classified as Likely Pathogenic.

Labcorp Genetics (formerly Invitae), Labcorp
Classification: Pathogenic for Nemaline myopathy 2. Last evaluated: 2024-02-18. Review status: criteria provided, single submitter. Criteria: Invitae Variant Classification Sherloc (09022015). Collection method: clinical testing. Allele origin: germline.
Comment: This sequence change creates a premature translational stop signal (p.Asn8203Lysfs*13) in the NEB gene. It is expected to result in an absent or disrupted protein product. Loss-of-function variants in NEB are known to be pathogenic (PMID: 25205138). This variant is not present in population databases (gnomAD no frequency). This variant has not been reported in the literature in individuals affected with NEB-related conditions. ClinVar contains an entry for this variant (Variation ID: 1459619). For these reasons, this variant has been classified as Pathogenic.

Baylor Genetics
Classification: Likely pathogenic for Arthrogryposis multiplex congenita 6. Last evaluated: 2023-01-30. Review status: criteria provided, single submitter. Criteria: ACMG Guidelines, 2015. Collection method: clinical testing. Allele origin: unknown.

Literature cited by the submitters: PubMed 25205138 (cited by Labcorp Genetics (formerly Invitae), Labcorp).